The following is an entry in ClinVar:

NM_004713.6(NEMF):c.454C>T (p.Arg152Cys)

Gene: NEMF (nuclear export mediator factor; minus strand). Cytogenetic location: 14q21.3.
Variant type: single nucleotide variant.
Coding change: c.454C>T on transcript NM_004713.6 (MANE Select); coding-DNA position 454, C replaced by T.
Protein change: p.Arg152Cys; replaces arginine 152 with cysteine.
Molecular consequence: missense variant.
Genome position (GRCh38, 1-based): chr14:49,840,770, G>A on the plus strand (C>T on the coding strand, the complement: NEMF is on the minus strand). VCF-style: chr14-49840770-G-A. GRCh37 (hg19) VCF-style: chr14-50307488-G-A.
Other names: c.454C>T, p.Arg152Cys (NM_001301732.3); short protein forms R152C.
Identifiers: ClinVar variation 2644220 (VCV002644220.24), dbSNP rs1476260283, ClinGen allele CA389633533.
Genomic context (GRCh38, chr14:49,840,770, plus strand): 5'-CACTTTACCTTTCCAAAGTAAGCAAAGGTTCAGCAGCTCTAGCATGATCAAGTGGATAGC[G>A]TTCACGAACAGCAAATTTAACATCATCTGCCTCATCAGTTCGAAACCTTAGAATATTTAA-3'
Protein context (NP_004704.3, residues 142-162): ADDVKFAVRE[Arg152Cys]YPLDHARAAE

ClinVar aggregate classification (germline): Uncertain significance (1 of 4 stars; one submission).

Allele frequency attached by ClinVar (database versions not stated): gnomAD 0.00001; gnomAD exomes 0.00001; TOPMed 0.00001.
gnomAD v4.1: 24 of 1,613,800 alleles (0.0015%); highest among the groups gnomAD compares: African/African-American, 0.004%; no homozygotes.

Submission:

CeGaT Center for Human Genetics Tuebingen
Classification: Uncertain significance. Last evaluated: 2022-09-01. Review status: criteria provided, single submitter. Criteria: CeGaT Center For Human Genetics Tuebingen Variant Classification Criteria Version 2. Collection method: clinical testing. Allele origin: germline. Affected: yes. Observed: 1 variant allele.
Comment: NEMF: PM2, BP4